The following is an entry in ClinVar:

ClinVar aggregate classification (germline): Uncertain significance (1 of 4 stars; one submission).

Conditions:
Hypertrophic cardiomyopathy. Also called: HYPERTROPHIC MYOCARDIOPATHY. Identifiers: Orphanet 217569, MedGen C0007194, MeSH D002312, MONDO:0005045, HP:0001639.

Allele frequency attached by ClinVar (database versions not stated): gnomAD exomes below 0.00001; gnomAD 0.00001; TOPMed 0.00001.
gnomAD v4.1: 3 of 1,613,756 alleles (0.00019%); highest among the groups gnomAD compares: African/African-American, 0.004%; no homozygotes.

Submission:

Labcorp Genetics (formerly Invitae), Labcorp
Classification: Uncertain significance for Hypertrophic cardiomyopathy. Last evaluated: 2019-11-07. Review status: criteria provided, single submitter. Criteria: Invitae Variant Classification Sherloc (09022015). Collection method: clinical testing. Allele origin: germline.
Comment: Algorithms developed to predict the effect of missense changes on protein structure and function are either unavailable or do not agree on the potential impact of this missense change (SIFT: "Deleterious"; PolyPhen-2: "Possibly Damaging"; Align-GVGD: "Class C0"). This sequence change replaces proline with leucine at codon 130 of the MYOZ2 protein (p.Pro130Leu). The proline residue is highly conserved and there is a moderate physicochemical difference between proline and leucine. This variant is not present in population databases (ExAC no frequency). This variant has not been reported in the literature in individuals with MYOZ2-related conditions. In summary, the available evidence is currently insufficient to determine the role of this variant in disease. Therefore, it has been classified as a Variant of Uncertain Significance.

NM_016599.5(MYOZ2):c.389C>T (p.Pro130Leu)

Gene: MYOZ2 (myozenin 2; plus strand). Cytogenetic location: 4q26.
Variant type: single nucleotide variant.
Coding change: c.389C>T on transcript NM_016599.5 (MANE Select); coding-DNA position 389, C replaced by T.
Protein change: p.Pro130Leu; replaces proline 130 with leucine.
Molecular consequence: missense variant.
Genome position (GRCh38, 1-based): chr4:119,164,223, C>T. VCF-style: chr4-119164223-C-T. GRCh37 (hg19) VCF-style: chr4-120085378-C-T.
Other names: short protein forms P130L.
Identifiers: ClinVar variation 964583 (VCV000964583.6), dbSNP rs890598036, ClinGen allele CA104971827.